The following is an entry in ClinVar:

ClinVar aggregate classification (germline): Conflicting classifications of pathogenicity. Review status: criteria provided, conflicting classifications (1 of 4 stars). 8 submissions from 7 submitters: Uncertain significance (2); Likely benign (5). 1 of the submissions does not count toward it. Last evaluated 2026-06-01.

Conditions:
Singleton-Merten syndrome 1 (SGMRT1). Also called: Widened medullary cavities of bone, aortic calcification, abnormal dentition, and muscular weakness; Syndrome of widened medullary cavities of the metacarpals and phalanges, aortic calcification and abnormal dentition. Identifiers: Orphanet 85191, MedGen C4225427, MONDO:0024535, OMIM 182250.
Immunodeficiency 95 (IMD95). Identifiers: MedGen C5676929, MONDO:0030692, OMIM 619773.
Aicardi-Goutieres syndrome 7 (AGS7). Identifiers: Orphanet 51, MedGen C3888244, MONDO:0014367, OMIM 615846.
IFIH1-related disorder. Also called: IFIH1-related condition.
Inborn genetic diseases. Identifiers: MedGen C0950123, MeSH D030342.

Allele frequency attached by ClinVar (database versions not stated): 1000 Genomes Project 30x 0.00031; ExAC 0.00037; 1000 Genomes Project 0.00040; gnomAD exomes 0.00043; gnomAD 0.00074 and 0.00076; TOPMed 0.00074; ESP Exome Variant Server 0.00115.
gnomAD v4.1: 1,949 of 1,613,100 alleles (0.12%); highest among the groups gnomAD compares: Middle Eastern, 0.3%; 4 homozygotes.

Submissions (8):

CeGaT Center for Human Genetics Tuebingen
Classification: Likely benign. Last evaluated: 2026-06-01. Review status: criteria provided, single submitter. Criteria: CeGaT Center For Human Genetics Tuebingen Variant Classification Criteria Version 2. Collection method: clinical testing. Allele origin: germline. Affected: yes. Observed: 7 variant alleles.
Comment: IFIH1: BS2

Labcorp Genetics (formerly Invitae), Labcorp
Classification: Likely benign for Aicardi-Goutieres syndrome 7; Singleton-Merten syndrome 1. Last evaluated: 2026-01-26. Review status: criteria provided, single submitter. Criteria: Invitae Variant Classification Sherloc (09022015). Collection method: clinical testing. Allele origin: germline.

Mayo Clinic Laboratories, Mayo Clinic
Classification: Likely benign. Last evaluated: 2025-02-18. Review status: criteria provided, single submitter. Criteria: ACMG Guidelines, 2015. Collection method: clinical testing. Allele origin: germline. Observed: 3 variant alleles.
Comment: BS2_supporting, BP4

Blueprint Genetics
Classification: Likely benign. Last evaluated: 2024-11-25. Review status: criteria provided, single submitter. Criteria: ACMG Guidelines, 2015. Collection method: clinical testing. Allele origin: germline.

Ambry Genetics
Classification: Likely benign for Inborn genetic diseases. Last evaluated: 2021-10-27. Review status: criteria provided, single submitter. Criteria: Ambry Variant Classification Scheme 2023. Collection method: clinical testing. Allele origin: germline.

Center for Genomics, Ann and Robert H. Lurie Children's Hospital of Chicago
Classification: Uncertain significance for Immunodeficiency 95; Aicardi-Goutieres syndrome 7; Singleton-Merten syndrome 1. Last evaluated: 2021-03-30. Review status: criteria provided, single submitter. Criteria: ACMG Guidelines, 2015. Collection method: clinical testing. Allele origin: germline.
Comment: IFIH1 NM_022168.3 exon 13 p.Glu842Lys (c.2524G>A): This variant has not been reported in the literature but is present in 0.07% (101/126416) of European alleles, including 1 homozygote in the Genome Aggregation Database. This variant is present in ClinVar (Variation ID:474952). Evolutionary conservation and computational predictive tools for this variant are unclear. In summary, data on this variant is insufficient for disease classification. Therefore, the clinical significance of this variant is uncertain.

Center for Genomics, Ann and Robert H. Lurie Children's Hospital of Chicago
Classification: Uncertain significance for Aicardi-Goutieres syndrome 7; Singleton-Merten syndrome 1. Last evaluated: 2018-11-19. Review status: criteria provided, single submitter. Criteria: ACMG Guidelines, 2015. Collection method: clinical testing. Allele origin: germline.
Comment: the same text as in the submission from Center for Genomics, Ann and Robert H. Lurie Children's Hospital of Chicago above.

PreventionGenetics, part of Exact Sciences
Classification: Likely benign for IFIH1-related condition. Last evaluated: 2022-01-28. Review status: no assertion criteria provided. Collection method: clinical testing. Allele origin: germline. Not counted in ClinVar's aggregate classification.
Comment: This variant is classified as likely benign based on ACMG/AMP sequence variant interpretation guidelines (Richards et al. 2015 PMID: 25741868, with internal and published modifications).

NM_022168.4(IFIH1):c.2524G>A (p.Glu842Lys)

Gene: IFIH1 (interferon induced with helicase C domain 1; minus strand). Cytogenetic location: 2q24.2.
Variant type: single nucleotide variant.
Coding change: c.2524G>A on transcript NM_022168.4 (MANE Select); coding-DNA position 2524, G replaced by A.
Protein change: p.Glu842Lys; replaces glutamic acid 842 with lysine.
Molecular consequence: missense variant.
Genome position (GRCh38, 1-based): chr2:162,272,318, C>T on the plus strand (G>A on the coding strand, the complement: IFIH1 is on the minus strand). VCF-style: chr2-162272318-C-T. GRCh37 (hg19) VCF-style: chr2-163128828-C-T.
Other names: p.Glu842Lys; c.2524G>A (NM_022168.2); c.2524G>A, p.Glu842Lys (LRG_1235t1); short protein forms E842K.
Identifiers: ClinVar variation 474952 (VCV000474952.42), dbSNP rs79324540, ClinGen allele CA1934154.